The following is an entry in ClinVar:

NM_033159.4(HYAL1):c.206C>G (p.Pro69Arg)

Gene: HYAL1 (hyaluronidase 1; minus strand). Cytogenetic location: 3p21.31.
Variant type: single nucleotide variant.
Coding change: c.206C>G on transcript NM_033159.4 (MANE Select); coding-DNA position 206, C replaced by G.
Protein change: p.Pro69Arg; replaces proline 69 with arginine.
Molecular consequence: missense variant. On other transcripts: non-coding transcript variant (1), intron variant (2).
Genome position (GRCh38, 1-based): chr3:50,302,751, G>C on the plus strand (C>G on the coding strand, the complement: HYAL1 is on the minus strand). VCF-style: chr3-50302751-G-C. GRCh37 (hg19) VCF-style: chr3-50340182-G-C.
Other names: c.206C>G (NM_153281.1); c.206C>G, p.Pro69Arg (NM_007312.3, NM_153281.2, NM_153282.3); c.-26-546C>G (NM_153285.3); c.-213-128C>G (NM_153283.3); short protein forms P69R.
Identifiers: ClinVar variation 2178003 (VCV002178003.5), dbSNP rs1553713373, ClinGen allele CA352896395.
Genomic context (GRCh38, chr3:50,302,751, plus strand): 5'-CCAGTGGGCGTGTAGTAGGGGTAGGTGCCCAGCTGGGAGCTATAGAAAATTGTCATGTCA[G>C]GGCCGCGGAAGGTCTGCCCTGGGTTGGCTACCACATCGAAGACACTGACATCCACGTCCA-3'
Protein context (NP_149349.2, residues 59-79): VANPGQTFRG[Pro69Arg]DMTIFYSSQL

ClinVar aggregate classification (germline): Uncertain significance. Review status: criteria provided, multiple submitters, no conflicts (2 of 4 stars). 2 submissions from 2 submitters: Uncertain significance (2). Last evaluated 2025-08-25.

Conditions:
Deficiency of hyaluronoglucosaminidase (MPS9). Also called: MPS IX; Mucopolysaccharidosis type 9; HYALURONIDASE DEFICIENCY. Identifiers: Orphanet 67041, MedGen C1291490, MONDO:0011093, OMIM 601492.

Allele frequency attached by ClinVar (database versions not stated): gnomAD exomes below 0.00001; TOPMed below 0.00001.

Submissions (2):

Ambry Genetics
Classification: Uncertain significance. Last evaluated: 2025-08-25. Review status: criteria provided, single submitter. Criteria: Ambry Variant Classification Scheme 2023. Collection method: clinical testing. Allele origin: germline.

Labcorp Genetics (formerly Invitae), Labcorp
Classification: Uncertain significance for Deficiency of hyaluronoglucosaminidase. Last evaluated: 2023-12-22. Review status: criteria provided, single submitter. Criteria: Invitae Variant Classification Sherloc (09022015). Collection method: clinical testing. Allele origin: germline.
Comment: This sequence change replaces proline, which is neutral and non-polar, with arginine, which is basic and polar, at codon 69 of the HYAL1 protein (p.Pro69Arg). This variant is present in population databases (no rsID available, gnomAD 0.003%). This variant has not been reported in the literature in individuals affected with HYAL1-related conditions. ClinVar contains an entry for this variant (Variation ID: 2178003). An algorithm developed to predict the effect of missense changes on protein structure and function (PolyPhen-2) suggests that this variant is likely to be tolerated. In summary, the available evidence is currently insufficient to determine the role of this variant in disease. Therefore, it has been classified as a Variant of Uncertain Significance.